The following is an entry in ClinVar:

NM_001042492.3(NF1):c.5260T>G (p.Ser1754Ala)

Gene: NF1 (neurofibromin 1; plus strand). Cytogenetic location: 17q11.2.
Variant type: single nucleotide variant.
Coding change: c.5260T>G on transcript NM_001042492.3 (MANE Select); coding-DNA position 5260, T replaced by G.
Protein change: p.Ser1754Ala; replaces serine 1754 with alanine.
Molecular consequence: missense variant.
Genome position (GRCh38, 1-based): chr17:31,326,244, T>G. VCF-style: chr17-31326244-T-G. GRCh37 (hg19) VCF-style: chr17-29653262-T-G.
Other names: c.5197T>G, p.Ser1733Ala (NM_000267.4); short protein forms S1754A, S1733A.
Identifiers: ClinVar variation 1745948 (VCV001745948.10), dbSNP rs891138800, ClinGen allele CA289377573.
Genomic context (GRCh38, chr17:31,326,244, plus strand): 5'-GAAGAGGACCTGAAGGTATTCCACAATGCTCTCAAGCTAGCTCACAAAGACACCAAAGTT[T>G]CTATTAAAGTAAGTTCCAGTCTGTGTTTTGTAAACGATTCATTGCTTTTCTTGACTAACT-3'
Protein context (NP_001035957.1, residues 1744-1764): LKLAHKDTKV[Ser1754Ala]IKVGSTAVQV

ClinVar aggregate classification (germline): Uncertain significance. Review status: criteria provided, multiple submitters, no conflicts (2 of 4 stars). 3 submissions from 3 submitters: Uncertain significance (3). Last evaluated 2026-09-04.

Conditions:
Neurofibromatosis, type 1 (NF1). Also called: VON RECKLINGHAUSEN DISEASE; Peripheral type neurofibromatosis; Neurofibromatosis, type I; NEUROFIBROMATOSIS, TYPE I, SOMATIC. Identifiers: Orphanet 636, MedGen C0027831, MONDO:0018975, OMIM 162200. Disease mechanism: loss of function.
Cardiovascular phenotype. Identifiers: MedGen CN230736.
Hereditary cancer-predisposing syndrome. Also called: Hereditary Cancer Syndrome; Hereditary neoplastic syndrome; Neoplastic Syndromes, Hereditary; Tumor predisposition. Identifiers: Orphanet 140162, MedGen C0027672, MeSH D009386, MONDO:0015356.

Allele frequency attached by ClinVar (database versions not stated): TOPMed below 0.00001.

Submissions (3):

Ambry Genetics
Classification: Uncertain significance for Cardiovascular phenotype; Hereditary cancer-predisposing syndrome. Last evaluated: 2026-09-04. Review status: criteria provided, single submitter. Criteria: Ambry Variant Classification Scheme 2023. Collection method: clinical testing. Allele origin: germline.
Comment: The p.S1733A variant (also known as c.5197T>G), located in coding exon 36 of the NF1 gene, results from a T to G substitution at nucleotide position 5197. The serine at codon 1733 is replaced by alanine, an amino acid with similar properties. This amino acid position is well conserved in available vertebrate species. In addition, this alteration is predicted to be tolerated by in silico analysis. Based on the available evidence, the clinical significance of this variant remains unclear.

St. Jude Molecular Pathology, St. Jude Children's Research Hospital
Classification: Uncertain significance for Neurofibromatosis, type 1. Last evaluated: 2025-06-17. Review status: criteria provided, single submitter. Criteria: St. Jude Assertion Criteria 2020. Collection method: clinical testing. Allele origin: germline.
Comment: The NF1 c.5197T>G p.(Ser1733Ala) missense change is absent in gnomAD v2.1.1. The in silico tool REVEL predicts a benign effect on protein function, but to our knowledge this prediction has not been confirmed by functional studies. To our knowledge, this variant has not been reported in individuals with Neurofibromatosis type 1. In summary, the evidence currently available is insufficient to determine the clinical significance of this variant. It has therefore been classified as of uncertain significance.

Labcorp Genetics (formerly Invitae), Labcorp
Classification: Uncertain significance for Neurofibromatosis, type 1. Last evaluated: 2025-06-12. Review status: criteria provided, single submitter. Criteria: Invitae Variant Classification Sherloc (09022015). Collection method: clinical testing. Allele origin: germline.
Comment: This sequence change replaces serine, which is neutral and polar, with alanine, which is neutral and non-polar, at codon 1733 of the NF1 protein (p.Ser1733Ala). This variant is not present in population databases (gnomAD no frequency). This variant has not been reported in the literature in individuals affected with NF1-related conditions. ClinVar contains an entry for this variant (Variation ID: 1745948). Invitae Evidence Modeling of protein sequence and biophysical properties (such as structural, functional, and spatial information, amino acid conservation, physicochemical variation, residue mobility, and thermodynamic stability) indicates that this missense variant is not expected to disrupt NF1 protein function with a negative predictive value of 95%. In summary, the available evidence is currently insufficient to determine the role of this variant in disease. Therefore, it has been classified as a Variant of Uncertain Significance.